The following is an entry in ClinVar:

ClinVar aggregate classification (germline): Benign/Likely benign. Review status: criteria provided, multiple submitters, no conflicts (2 of 4 stars). 3 submissions from 3 submitters: Benign (1); Likely benign (2). Last evaluated 2025-07-29.

Conditions:
Pheochromocytoma. Also called: MAX-Related Hereditary Paraganglioma-Pheochromocytoma Syndrome. Identifiers: Orphanet 29072, MedGen C0031511, MONDO:0008233, OMIM 171300, HP:0002666.
Gastrointestinal stromal tumor. Also called: Gastrointestinal stroma tumor; Gastrointestinal stromal tumor, somatic. Identifiers: Orphanet 44890, MedGen C0238198, MeSH D046152, MONDO:0011719, OMIM 606764, HP:0100723.
Pheochromocytoma/paraganglioma syndrome 4. Also called: SDHB-Related Hereditary Paraganglioma-Pheochromocytoma Syndrome (Paragangliomas 4); SDHB-Related Hereditary Paraganglioma-Pheochromocytoma Syndrome; CAROTID BODY TUMORS AND MULTIPLE EXTRAADRENAL PHEOCHROMOCYTOMAS; PARAGANGLIOMA, FAMILIAL MALIGNANT; PARAGANGLIOMAS, HEREDITARY EXTRAADRENAL; PHEOCHROMOCYTOMA, FAMILIAL EXTRAADRENAL. Identifiers: Orphanet 29072, MedGen C1861848, MONDO:0007273, OMIM 115310.
Hereditary cancer-predisposing syndrome. Also called: Neoplastic Syndromes, Hereditary; Hereditary Cancer Syndrome; Hereditary neoplastic syndrome; Tumor predisposition. Identifiers: Orphanet 140162, MedGen C0027672, MeSH D009386, MONDO:0015356.

Allele frequency attached by ClinVar (database versions not stated): gnomAD exomes below 0.00001; ExAC 0.00001.
gnomAD v4.1: 2 of 1,613,740 alleles (0.00012%); highest among the groups gnomAD compares: South Asian, 0.0011%; no homozygotes.

Submissions (3):

Labcorp Genetics (formerly Invitae), Labcorp
Classification: Likely benign for Gastrointestinal stromal tumor; Pheochromocytoma/paraganglioma syndrome 4; Pheochromocytoma. Last evaluated: 2025-07-29. Review status: criteria provided, single submitter. Criteria: Invitae Variant Classification Sherloc (09022015). Collection method: clinical testing. Allele origin: germline.

Myriad Genetics, Inc.
Classification: Benign for Pheochromocytoma/paraganglioma syndrome 4. Last evaluated: 2025-03-13. Review status: criteria provided, single submitter. Criteria: Myriad Autosomal Dominant, Autosomal Recessive and X-Linked Classification Criteria (2023). Collection method: clinical testing. Allele origin: unknown.
Comment: This variant is considered benign. This variant is a silent/synonymous amino acid change and it is not expected to impact splicing.

Ambry Genetics
Classification: Likely benign for Hereditary cancer-predisposing syndrome. Last evaluated: 2022-04-30. Review status: criteria provided, single submitter. Criteria: Ambry Variant Classification Scheme 2023. Collection method: clinical testing. Allele origin: germline.

NM_003000.3(SDHB):c.564C>T (p.Leu188=)

Gene: SDHB (succinate dehydrogenase complex iron sulfur subunit B; minus strand). Cytogenetic location: 1p36.13.
Variant type: single nucleotide variant.
Coding change: c.564C>T on transcript NM_003000.3 (MANE Select); coding-DNA position 564, C replaced by T.
Protein change: p.Leu188=; no amino-acid change (leucine 188 retained).
Molecular consequence: synonymous variant.
Genome position (GRCh38, 1-based): chr1:17,024,051, G>A on the plus strand (C>T on the coding strand, the complement: SDHB is on the minus strand). VCF-style: chr1-17024051-G-A. GRCh37 (hg19) VCF-style: chr1-17350546-G-A.
Identifiers: ClinVar variation 1093614 (VCV001093614.10), dbSNP rs776487215, ClinGen allele CA089671.
Genomic context (GRCh38, chr1:17,024,051, plus strand): 5'-CCCCAGATATTTGTCTCCGTTCCACCAGTAGCTGGGGCAGCTGGTGCTACAGCAGGCACA[G>A]AGAATGCACTCGTAGAGCCCGTCCTGTATGGGGAGAAAAGAGAGGCAGGAGCTTGTGACG-3'
Protein context (NP_002991.2, residues 178-198): EKLDGLYECI[Leu188=]CACCSTSCPS